The following is an entry in ClinVar:

ClinVar aggregate classification (germline): Benign (1 of 4 stars; one submission).

Allele frequency attached by ClinVar (database versions not stated): 1000 Genomes Project 0.03794; 1000 Genomes Project 30x 0.03826; TOPMed 0.07198; gnomAD 0.07207 and 0.07326; gnomAD exomes 0.08681.
gnomAD v4.1: 41,699 of 506,350 alleles (8.2%); highest among the groups gnomAD compares: Non-Finnish European, 11%; 2,165 homozygotes.

Submission:

GeneDx
Classification: Benign. Last evaluated: 2018-06-19. Review status: criteria provided, single submitter. Criteria: GeneDx Variant Classification (06012015). Collection method: clinical testing. Allele origin: germline. Affected: yes.
Comment: This variant is considered likely benign or benign based on one or more of the following criteria: it is a conservative change, it occurs at a poorly conserved position in the protein, it is predicted to be benign by multiple in silico algorithms, and/or has population frequency not consistent with disease.

NM_001376.5(DYNC1H1):c.13006+276C>G

Gene: DYNC1H1 (dynein cytoplasmic 1 heavy chain 1; plus strand). Cytogenetic location: 14q32.31.
Variant type: single nucleotide variant.
Coding change: c.13006+276C>G on transcript NM_001376.5 (MANE Select); 276 bases into the intron after coding-DNA position 13006, C replaced by G.
Molecular consequence: intron variant.
Genome position (GRCh38, 1-based): chr14:102,044,974, C>G. VCF-style: chr14-102044974-C-G. GRCh37 (hg19) VCF-style: chr14-102511311-C-G.
Identifiers: ClinVar variation 670505 (VCV000670505.1), dbSNP rs17512905, ClinGen allele CA15806552.
Genomic context (GRCh38, chr14:102,044,974, plus strand): 5'-CTCTTCTCTGCAGCATCAACTCAGTTCTAGAGAAAAGGCTTGATATTTATGTAAATGAGC[C>G]TAGAAATAACATTTAGATGTTCATCTCATATTGAAAAGCAGTTACTGGCTGGGCACACTG-3'